The following is an entry in ClinVar:

NM_024675.4(PALB2):c.2576C>A (p.Ser859Ter)

Gene: PALB2 (partner and localizer of BRCA2; minus strand). Cytogenetic location: 16p12.2.
Variant type: single nucleotide variant.
Coding change: c.2576C>A on transcript NM_024675.4 (MANE Select); coding-DNA position 2576, C replaced by A.
Protein change: p.Ser859Ter; replaces serine 859 with a stop codon.
Molecular consequence: nonsense.
Genome position (GRCh38, 1-based): chr16:23,629,214, G>T on the plus strand (C>A on the coding strand, the complement: PALB2 is on the minus strand). VCF-style: chr16-23629214-G-T. GRCh37 (hg19) VCF-style: chr16-23640535-G-T.
Other names: short protein forms S859*.
Identifiers: ClinVar variation 371797 (VCV000371797.17), dbSNP rs1057517539, ClinGen allele CA16042149.

ClinVar aggregate classification (germline): Pathogenic. Review status: criteria provided, multiple submitters, no conflicts (2 of 4 stars). 4 submissions from 4 submitters: Pathogenic (3). 1 of the submissions does not count toward it. Last evaluated 2023-10-30.

Conditions:
Hereditary cancer-predisposing syndrome. Also called: Tumor predisposition; Hereditary neoplastic syndrome; Neoplastic Syndromes, Hereditary; Hereditary Cancer Syndrome. Identifiers: Orphanet 140162, MedGen C0027672, MeSH D009386, MONDO:0015356.
Familial cancer of breast. Also called: BREAST CANCER, FAMILIAL; hereditary breast carcinoma; Hereditary breast cancer. Identifiers: Orphanet 227535, MedGen C0346153, MONDO:0016419, OMIM 114480. Disease mechanism: loss of function.

Submissions (4):

Ambry Genetics
Classification: Pathogenic for Hereditary cancer-predisposing syndrome. Last evaluated: 2023-10-30. Review status: criteria provided, single submitter. Criteria: Ambry Variant Classification Scheme 2023. Collection method: clinical testing. Allele origin: germline.
Comment: The p.S859* pathogenic mutation (also known as c.2576C>A), located in coding exon 6 of the PALB2 gene, results from a C to A substitution at nucleotide position 2576. This changes the amino acid from a serine to a stop codon within coding exon 6. This alteration is expected to result in loss of function by premature protein truncation or nonsense-mediated mRNA decay. As such, this alteration is interpreted as a disease-causing mutation.

Labcorp Genetics (formerly Invitae), Labcorp
Classification: Pathogenic for Familial cancer of breast. Last evaluated: 2023-09-14. Review status: criteria provided, single submitter. Criteria: Invitae Variant Classification Sherloc (09022015). Collection method: clinical testing. Allele origin: germline.
Comment: ClinVar contains an entry for this variant (Variation ID: 371797). For these reasons, this variant has been classified as Pathogenic. This premature translational stop signal has been observed in individual(s) with colorectal cancer (PMID: 29478780). This variant is not present in population databases (gnomAD no frequency). This sequence change creates a premature translational stop signal (p.Ser859*) in the PALB2 gene. It is expected to result in an absent or disrupted protein product. Loss-of-function variants in PALB2 are known to be pathogenic (PMID: 17200668, 17200671, 17200672, 24136930, 25099575).

Myriad Genetics, Inc.
Classification: Pathogenic for Familial cancer of breast. Last evaluated: 2023-03-30. Review status: criteria provided, single submitter. Criteria: Myriad Autosomal Dominant, Autosomal Recessive and X-Linked Classification Criteria (2023). Collection method: clinical testing. Allele origin: unknown.
Comment: This variant is considered pathogenic. This variant creates a termination codon and is predicted to result in premature protein truncation.

Counsyl
Classification: Likely pathogenic for Familial cancer of breast. Last evaluated: 2015-11-25. Review status: no assertion criteria provided. Collection method: clinical testing. Allele origin: unknown. Not counted in ClinVar's aggregate classification.

Literature cited by the submitters: PubMed 29478780 (cited by Labcorp Genetics (formerly Invitae), Labcorp); PubMed 17200668 (cited by Labcorp Genetics (formerly Invitae), Labcorp); PubMed 17200671 (cited by Labcorp Genetics (formerly Invitae), Labcorp); PubMed 17200672 (cited by Labcorp Genetics (formerly Invitae), Labcorp); PubMed 24136930 (cited by Labcorp Genetics (formerly Invitae), Labcorp); PubMed 25099575 (cited by Labcorp Genetics (formerly Invitae), Labcorp).